The following is an entry in ClinVar:

ClinVar aggregate classification (germline): Likely pathogenic (1 of 4 stars; one submission).

Conditions:
Osteogenesis imperfecta type 7 (OI7). Also called: OSTEOGENESIS IMPERFECTA, TYPE IIB; Osteogenesis imperfecta type 2B; OI type 2B; Osteogenesis imperfecta, perinatal lethal autosomal recessive; OI type IIB; OI type 7. Identifiers: MedGen C1853162, MONDO:0012536, OMIM 610682.

Submission:

Neuberg Centre For Genomic Medicine, NCGM
Classification: Likely pathogenic for Osteogenesis imperfecta type 7. Review status: criteria provided, single submitter. Criteria: ACMG Guidelines, 2015. Collection method: clinical testing. Allele origin: germline. Inheritance: Autosomal recessive inheritance. Affected: yes.
Comment: The frame shift c.1016dup (p.Tyr340ValfsTer11) variant has not been reported previously as a pathogenic variant nor as a benign variant, to our knowledge. The p.Tyr340ValfsTer11 variant is novel (not in any individuals) in gnomAD Exomes and is novel (not in any individuals) in 1000 Genomes. This variant has not been reported to the ClinVar database. This variant causes a frameshift starting with codon Tyrosine 340, changes this amino acid to Valine residue, and creates a premature Stop codon at position 11 of the new reading frame, denoted p.Tyr340ValfsTer11. This variant is predicted to cause loss of normal protein function through protein truncation. Loss of function variants have been previously reported to be disease causing. For these reasons, this variant has been classified as Likely Pathogenic.

NM_006371.5(CRTAP):c.1016dup (p.Tyr340fs)

Gene: CRTAP (cartilage associated protein; plus strand). Cytogenetic location: 3p22.3.
Variant type: Duplication.
Coding change: c.1016dup on transcript NM_006371.5 (MANE Select); coding-DNA position 1016, one base duplicated (A; older notation c.1016dupA).
Protein change: p.Tyr340fs; shifts the reading frame from tyrosine 340.
Molecular consequence: frameshift variant.
Genome position (GRCh38, 1-based): chr3:33,132,648, A duplicated. VCF-style (leftmost placement, unchanged base first): chr3-33132647-C-CA. GRCh37 (hg19) VCF-style: chr3-33174139-C-CA.
Other names: c.1016dup, p.Tyr340fs (NM_001393363.1); c.887dup, p.Tyr297fs (NM_001393364.1); c.866dup, p.Tyr290fs (NM_001393365.1); short protein forms Y290fs, Y340fs, Y297fs.
Identifiers: ClinVar variation 2584861 (VCV002584861.1), dbSNP rs2471585529, ClinGen allele CA2582342850.